The following is an entry in ClinVar:

NM_001291867.2(NHS):c.546C>G (p.Asp182Glu)

Gene: NHS (NHS actin remodeling regulator; plus strand). Cytogenetic location: Xp22.2.
Variant type: single nucleotide variant.
Coding change: c.546C>G on transcript NM_001291867.2 (MANE Select); coding-DNA position 546, C replaced by G.
Protein change: p.Asp182Glu; replaces aspartic acid 182 with glutamic acid.
Molecular consequence: missense variant.
Genome position (GRCh38, 1-based): chrX:17,376,303, C>G. VCF-style: chrX-17376303-C-G. GRCh37 (hg19) VCF-style: chrX-17394426-C-G.
Other names: c.546C>G, p.Asp182Glu (NM_198270.4); short protein forms D182E.
Identifiers: ClinVar variation 1030452 (VCV001030452.4), dbSNP rs759834255, ClinGen allele CA10358461.

ClinVar aggregate classification (germline): Uncertain significance. Review status: criteria provided, multiple submitters, no conflicts (2 of 4 stars). 2 submissions from 2 submitters: Uncertain significance (2). Last evaluated 2024-10-08.

Conditions:
Cataract 40 (CTRCT40). Also called: CATARACT, CONGENITAL TOTAL, WITH POSTERIOR SUTURAL OPACITIES IN HETEROZYGOTES; CATARACT 40 WITH OR WITHOUT MICROCORNEA; Cataract 40, X-linked. Identifiers: Orphanet 91492, MedGen C4049004, MONDO:0010544, OMIM 302200.
Inborn genetic diseases. Identifiers: MedGen C0950123, MeSH D030342.

Allele frequency attached by ClinVar (database versions not stated): TOPMed 0.00001; ExAC below 0.00001; gnomAD exomes 0.00001.
gnomAD v4.1: 5 of 1,155,506 alleles (0.00043%); highest among the groups gnomAD compares: Non-Finnish European, 0.00057%; no homozygotes.

Submissions (2):

Ambry Genetics
Classification: Uncertain significance for Inborn genetic diseases. Last evaluated: 2024-10-08. Review status: criteria provided, single submitter. Criteria: Ambry Variant Classification Scheme 2023. Collection method: clinical testing. Allele origin: germline.

Baylor Genetics
Classification: Uncertain significance for Cataract 40. Last evaluated: 2020-08-03. Review status: criteria provided, single submitter. Criteria: ACMG Guidelines, 2015. Collection method: clinical testing. Allele origin: unknown. Affected: yes.
Comment: This variant was determined to be of uncertain significance according to ACMG Guidelines, 2015 [PMID:25741868].